The following is an entry in ClinVar:

NM_000368.5(TSC1):c.1264-6T>C

Gene: TSC1 (TSC complex subunit 1; minus strand). Cytogenetic location: 9q34.13.
Variant type: single nucleotide variant.
Coding change: c.1264-6T>C on transcript NM_000368.5 (MANE Select); 6 bases into the intron before coding-DNA position 1264, T replaced by C.
Molecular consequence: intron variant.
Genome position (GRCh38, 1-based): chr9:132,907,376, A>G on the plus strand (T>C on the coding strand, the complement: TSC1 is on the minus strand). VCF-style: chr9-132907376-A-G. GRCh37 (hg19) VCF-style: chr9-135782763-A-G.
Other names: c.901-6T>C (NM_001362177.2); c.1111-6T>C (NM_001162427.2); c.1261-6T>C (NM_001162426.2).
Identifiers: ClinVar variation 763146 (VCV000763146.10), dbSNP rs370778877, ClinGen allele CA027889.

ClinVar aggregate classification (germline): Likely benign. Review status: criteria provided, multiple submitters, no conflicts (2 of 4 stars). 2 submissions from 2 submitters: Likely benign (2). Last evaluated 2025-04-09.

Conditions:
Tuberous sclerosis 1 (TSC1). Identifiers: Orphanet 805, MedGen C1854465, MONDO:0008612, OMIM 191100.

Allele frequency attached by ClinVar (database versions not stated): TOPMed below 0.00001; ExAC 0.00001; ESP Exome Variant Server 0.00008.

Submissions (2):

Myriad Genetics, Inc.
Classification: Likely benign for Tuberous sclerosis 1. Last evaluated: 2025-04-09. Review status: criteria provided, single submitter. Criteria: Myriad Autosomal Dominant, Autosomal Recessive and X-Linked Classification Criteria (2023). Collection method: clinical testing. Allele origin: unknown.
Comment: This variant is considered likely benign. This variant is intronic and is not expected to impact mRNA splicing.

Labcorp Genetics (formerly Invitae), Labcorp
Classification: Likely benign for Tuberous sclerosis 1. Last evaluated: 2025-02-12. Review status: criteria provided, single submitter. Criteria: Invitae Variant Classification Sherloc (09022015). Collection method: clinical testing. Allele origin: germline.